The following is an entry in ClinVar:

NM_021922.3(FANCE):c.1096del (p.Ser366fs)

Gene: FANCE (FA complementation group E; plus strand). Cytogenetic location: 6p21.31.
Variant type: Deletion.
Coding change: c.1096del on transcript NM_021922.3 (MANE Select); coding-DNA position 1096, one base deleted (A; older notation c.1096delA).
Protein change: p.Ser366fs; shifts the reading frame from serine 366.
Molecular consequence: frameshift variant.
Genome position (GRCh38, 1-based): chr6:35,458,423, A deleted; the last of 2 consecutive A bases (chr6:35,458,422-35,458,423); deleting either gives the same sequence. VCF-style (leftmost placement, unchanged base first): chr6-35458421-GA-G. GRCh37 (hg19) VCF-style: chr6-35426198-GA-G.
Other names: short protein forms S366fs.
Identifiers: ClinVar variation 1071416 (VCV001071416.8), dbSNP rs1272613429, ClinGen allele CA566491708.

ClinVar aggregate classification (germline): Pathogenic/Likely pathogenic. Review status: criteria provided, multiple submitters, no conflicts (2 of 4 stars). 2 submissions from 2 submitters: Pathogenic (1); Likely pathogenic (1). Last evaluated 2023-03-07.

Conditions:
Fanconi anemia complementation group E (FANCE). Also called: FANCE-Related Fanconi Anemia. Identifiers: Orphanet 84, MedGen C3160739, MONDO:0010953, OMIM 600901.

Submissions (2):

Labcorp Genetics (formerly Invitae), Labcorp
Classification: Pathogenic for Fanconi anemia complementation group E. Last evaluated: 2023-03-07. Review status: criteria provided, single submitter. Criteria: Invitae Variant Classification Sherloc (09022015). Collection method: clinical testing. Allele origin: germline.
Comment: This sequence change creates a premature translational stop signal (p.Ser366Alafs*10) in the FANCE gene. It is expected to result in an absent or disrupted protein product. Loss-of-function variants in FANCE are known to be pathogenic (PMID: 11001585, 17924555). This variant is present in population databases (no rsID available, gnomAD 0.0009%). This variant has not been reported in the literature in individuals affected with FANCE-related conditions. ClinVar contains an entry for this variant (Variation ID: 1071416). For these reasons, this variant has been classified as Pathogenic.

Baylor Genetics
Classification: Likely pathogenic for Fanconi anemia complementation group E. Last evaluated: 2023-01-31. Review status: criteria provided, single submitter. Criteria: ACMG Guidelines, 2015. Collection method: clinical testing. Allele origin: unknown.

Literature cited by the submitters: PubMed 11001585 (cited by Labcorp Genetics (formerly Invitae), Labcorp); PubMed 17924555 (cited by Labcorp Genetics (formerly Invitae), Labcorp).